The following is an entry in ClinVar:

NM_000059.4(BRCA2):c.5891del (p.Lys1964fs)

Gene: BRCA2 (BRCA2 DNA repair associated; plus strand). Cytogenetic location: 13q13.1.
Variant type: Deletion.
Coding change: c.5891del on transcript NM_000059.4 (MANE Select); coding-DNA position 5891, one base deleted (A; older notation c.5891delA).
Protein change: p.Lys1964fs; shifts the reading frame from lysine 1964.
Molecular consequence: frameshift variant.
Genome position (GRCh38, 1-based): chr13:32,340,246, A deleted; the last of 2 consecutive A bases (chr13:32,340,245-32,340,246); deleting either gives the same sequence. VCF-style (leftmost placement, unchanged base first): chr13-32340244-GA-G. GRCh37 (hg19) VCF-style: chr13-32914381-GA-G.
Other names: 6118delA; c.5891delA (NM_000059.3); short protein forms K1964fs.
Identifiers: ClinVar variation 254566 (VCV000254566.4), dbSNP rs276174864, ClinGen allele CA023338.

ClinVar aggregate classification (germline): Pathogenic. Review status: reviewed by expert panel (3 of 4 stars). 2 submissions from 2 submitters: Pathogenic (1). 1 of the submissions does not count toward it. Last evaluated 2016-09-08.

Conditions:
Breast-ovarian cancer, familial, susceptibility to, 2 (BROVCA2). Also called: BRCA2 Hereditary Breast and Ovarian Cancer. Identifiers: Orphanet 145, MedGen C2675520, MONDO:0012933, OMIM 612555. Disease mechanism: loss of function.

Submissions (2):

Evidence-based Network for the Interpretation of Germline Mutant Alleles (ENIGMA)
Classification: Pathogenic for Breast-ovarian cancer, familial, susceptibility to, 2. Last evaluated: 2016-09-08. Review status: reviewed by expert panel. Criteria: ENIGMA BRCA1/2 Classification Criteria (2015). Collection method: curation. Allele origin: germline.
Comment: Variant allele predicted to encode a truncated non-functional protein.

Breast Cancer Information Core (BIC) (BRCA2)
Classification: Pathogenic for Breast-ovarian cancer, familial 2. Last evaluated: 2011-03-02. Review status: no assertion criteria provided. Collection method: clinical testing. Allele origin: germline. Affected: yes. Observed: 1 variant allele. Not counted in ClinVar's aggregate classification.